The following is an entry in ClinVar:

ClinVar aggregate classification (germline): Benign (1 of 4 stars; one submission).

Conditions:
Multicentric carpo-tarsal osteolysis with or without nephropathy. Also called: Multicentric Osteolysis of Carpal Bones and Nephropathy; OSTEOLYSIS, HEREDITARY, OF CARPAL BONES WITH OR WITHOUT NEPHROPATHY; Carnevale Canun Mendoza syndrome; MULTICENTRIC OSTEOLYSIS, AUTOSOMAL DOMINANT; Multicentric Carpotarsal Osteolysis with or without Nephropathy; MULTICENTRIC CARPOTARSAL OSTEOLYSIS SYNDROME. Identifiers: Orphanet 2774, MedGen C2674705, MONDO:0008152, OMIM 166300.

Allele frequency attached by ClinVar (database versions not stated): 1000 Genomes Project 30x 0.00109; TOPMed 0.00138; gnomAD exomes 0.00077; gnomAD 0.00106; 1000 Genomes Project 0.00080.
gnomAD v4.1: 206 of 203,224 alleles (0.1%); highest among the groups gnomAD compares: Admixed American, 0.51%; no homozygotes.

Submission:

Illumina Laboratory Services, Illumina
Classification: Benign for Multicentric carpo-tarsal osteolysis with or without nephropathy. Last evaluated: 2018-01-13. Review status: criteria provided, single submitter. Criteria: ICSL Variant Classification Criteria 13 December 2019. Collection method: clinical testing. Allele origin: germline.
Comment: This variant was observed in the ICSL laboratory as part of a predisposition screen in an ostensibly healthy population. It had not been previously curated by ICSL or reported in the Human Gene Mutation Database (HGMD: prior to June 1st, 2018), and was therefore a candidate for classification through an automated scoring system. Utilizing variant allele frequency, disease prevalence and penetrance estimates, and inheritance mode, an automated score was calculated to assess if this variant is too frequent to cause the disease. Based on the score and internal cut-off values, a variant classified as benign is not then subjected to further curation. The score for this variant resulted in a classification of benign for this disease.

NM_005461.5(MAFB):c.*1737A>G

Gene: MAFB (MAF bZIP transcription factor B; minus strand). Cytogenetic location: 20q12.
Variant type: single nucleotide variant.
Coding change: c.*1737A>G on transcript NM_005461.5 (MANE Select); 1737 bases downstream of the stop codon, A replaced by G.
Molecular consequence: 3 prime UTR variant.
Genome position (GRCh38, 1-based): chr20:40,686,142, T>C on the plus strand (A>G on the coding strand, the complement: MAFB is on the minus strand). VCF-style: chr20-40686142-T-C. GRCh37 (hg19) VCF-style: chr20-39314782-T-C.
Identifiers: ClinVar variation 338377 (VCV000338377.5), dbSNP rs532037681, ClinGen allele CA10643836.